The following is an entry in ClinVar:

NM_014023.4(WDR37):c.1239-9T>A

Gene: WDR37 (WD repeat domain 37; plus strand). Cytogenetic location: 10p15.3.
Variant type: single nucleotide variant.
Coding change: c.1239-9T>A on transcript NM_014023.4 (MANE Select); 9 bases into the intron before coding-DNA position 1239, T replaced by A.
Molecular consequence: intron variant.
Genome position (GRCh38, 1-based): chr10:1,124,901, T>A. VCF-style: chr10-1124901-T-A. GRCh37 (hg19) VCF-style: chr10-1170841-T-A.
Other names: NC_000010.10:g.1170841T>A; p.?.
Identifiers: ClinVar variation 3043959 (VCV003043959.4), dbSNP rs138323790, ClinGen allele CA5384285.

ClinVar aggregate classification (germline): Benign. Review status: criteria provided, single submitter (1 of 4 stars). 2 submissions from 2 submitters: Benign (1). 1 of the submissions does not count toward it. Last evaluated 2025-01-17.

Conditions:
WDR37-related disorder. Also called: WDR37-related condition.

Allele frequency attached by ClinVar (database versions not stated): ExAC 0.00190; gnomAD exomes 0.00194; 1000 Genomes Project 30x 0.00047; 1000 Genomes Project 0.00060; TOPMed 0.00098; gnomAD 0.00115; ESP Exome Variant Server 0.00154.
gnomAD v4.1: 2,978 of 1,614,040 alleles (0.18%); highest among the groups gnomAD compares: Non-Finnish European, 0.22%; 4 homozygotes.

Submissions (5):

Mayo Clinic Laboratories, Mayo Clinic
Classification: Benign. Last evaluated: 2025-01-17. Review status: criteria provided, single submitter. Criteria: ACMG Guidelines, 2015. Collection method: clinical testing. Allele origin: germline. Observed: 1 variant allele.
Comment: BS1, BS2, BP4, BP7

PreventionGenetics, part of Exact Sciences
Classification: Likely benign for WDR37-related condition. Last evaluated: 2024-05-31. Review status: no assertion criteria provided. Collection method: clinical testing. Allele origin: germline. Not counted in ClinVar's aggregate classification.
Comment: This variant is classified as likely benign based on ACMG/AMP sequence variant interpretation guidelines (Richards et al. 2015 PMID: 25741868, with internal and published modifications).

Dr. Peter K. Rogan Lab, Western University
No classification provided (evidence only). Condition: Lung cancer. Review status: no classification provided. Collection method: in vitro. Allele origin: not applicable. Functional consequence: retained intron. Not counted in ClinVar's aggregate classification.

Dr. Peter K. Rogan Lab, Western University
No classification provided (evidence only). Condition: Acute myeloid leukemia. Review status: no classification provided. Collection method: in vitro. Allele origin: not applicable. Functional consequence: retained intron. Not counted in ClinVar's aggregate classification.

Dr. Peter K. Rogan Lab, Western University
No classification provided (evidence only). Condition: Gastric cancer. Review status: no classification provided. Collection method: in vitro. Allele origin: not applicable. Functional consequence: retained intron. Not counted in ClinVar's aggregate classification.